The following is an entry in ClinVar:

NM_021803.4(IL21):c.47T>C (p.Met16Thr)

Genes: IL21 (interleukin 21; minus strand), IL21-AS1 (IL21 antisense RNA 1; plus strand), LOC126807147 (CDK7 strongly-dependent group 2 enhancer GRCh37_chr4:123541308-123542507; plus strand). Cytogenetic location: 4q27.
Variant type: single nucleotide variant.
Coding change: c.47T>C on transcript NM_021803.4 (MANE Select); coding-DNA position 47, T replaced by C.
Protein change: p.Met16Thr; replaces methionine 16 with threonine.
Molecular consequence: missense variant. On other transcripts: non-coding transcript variant (1).
Genome position (GRCh38, 1-based): chr4:122,620,965, A>G on the plus strand (T>C on the coding strand, the complement: IL21 is on the minus strand). VCF-style: chr4-122620965-A-G. GRCh37 (hg19) VCF-style: chr4-123542120-A-G.
Other names: c.47T>C (NM_021803.2); c.47T>C, p.Met16Thr (NM_001207006.3); short protein forms M16T.
Identifiers: ClinVar variation 939799 (VCV000939799.9), dbSNP rs746777141, ClinGen allele CA3069199.

ClinVar aggregate classification (germline): Uncertain significance. Review status: criteria provided, multiple submitters, no conflicts (2 of 4 stars). 2 submissions from 2 submitters: Uncertain significance (2). Last evaluated 2025-12-04.

Allele frequency attached by ClinVar (database versions not stated): gnomAD exomes below 0.00001; ExAC 0.00001; gnomAD 0.00001; TOPMed 0.00006.

Submissions (2):

Ambry Genetics
Classification: Uncertain significance. Last evaluated: 2025-12-04. Review status: criteria provided, single submitter. Criteria: Ambry Variant Classification Scheme 2023. Collection method: clinical testing. Allele origin: germline.

Labcorp Genetics (formerly Invitae), Labcorp
Classification: Uncertain significance. Last evaluated: 2024-09-14. Review status: criteria provided, single submitter. Criteria: Invitae Variant Classification Sherloc (09022015). Collection method: clinical testing. Allele origin: germline.
Comment: This sequence change replaces methionine, which is neutral and non-polar, with threonine, which is neutral and polar, at codon 16 of the IL21 protein (p.Met16Thr). This variant is present in population databases (rs746777141, gnomAD 0.0009%). This variant has not been reported in the literature in individuals affected with IL21-related conditions. ClinVar contains an entry for this variant (Variation ID: 939799). An algorithm developed to predict the effect of missense changes on protein structure and function (PolyPhen-2) suggests that this variant is likely to be tolerated. In summary, the available evidence is currently insufficient to determine the role of this variant in disease. Therefore, it has been classified as a Variant of Uncertain Significance.